The following is an entry in ClinVar:

ClinVar aggregate classification (germline): Uncertain significance (1 of 4 stars; one submission).

gnomAD v4.1: 1 of 1,609,950 alleles (0.000062%); highest among the groups gnomAD compares: African/African-American, 0.0013%; no homozygotes.

Submission:

Labcorp Genetics (formerly Invitae), Labcorp
Classification: Uncertain significance. Last evaluated: 2025-03-15. Review status: criteria provided, single submitter. Criteria: Invitae Variant Classification Sherloc (09022015). Collection method: clinical testing. Allele origin: germline.
Comment: This sequence change replaces lysine, which is basic and polar, with asparagine, which is neutral and polar, at codon 190 of the RALA protein (p.Lys190Asn). This variant is not present in population databases (gnomAD no frequency). This variant has not been reported in the literature in individuals affected with RALA-related conditions. Invitae Evidence Modeling of protein sequence and biophysical properties (such as structural, functional, and spatial information, amino acid conservation, physicochemical variation, residue mobility, and thermodynamic stability) indicates that this missense variant is not expected to disrupt RALA protein function with a negative predictive value of 95%. In summary, the available evidence is currently insufficient to determine the role of this variant in disease. Therefore, it has been classified as a Variant of Uncertain Significance.

NM_005402.4(RALA):c.570G>T (p.Lys190Asn)

Gene: RALA (RAS like proto-oncogene A; plus strand). Cytogenetic location: 7p14.1.
Variant type: single nucleotide variant.
Coding change: c.570G>T on transcript NM_005402.4 (MANE Select); coding-DNA position 570, G replaced by T.
Protein change: p.Lys190Asn; replaces lysine 190 with asparagine.
Molecular consequence: missense variant.
Genome position (GRCh38, 1-based): chr7:39,706,194, G>T. VCF-style: chr7-39706194-G-T. GRCh37 (hg19) VCF-style: chr7-39745793-G-T.
Other names: short protein forms K190N.
Identifiers: ClinVar variation 4802464 (VCV004802464.1).